The following is an entry in ClinVar:

NM_020719.3(PRR12):c.4931G>A (p.Arg1644His)

Gene: PRR12 (proline rich 12; plus strand). Cytogenetic location: 19q13.33.
Variant type: single nucleotide variant.
Coding change: c.4931G>A on transcript NM_020719.3 (MANE Select); coding-DNA position 4931, G replaced by A.
Protein change: p.Arg1644His; replaces arginine 1644 with histidine.
Molecular consequence: missense variant.
Genome position (GRCh38, 1-based): chr19:49,614,916, G>A. VCF-style: chr19-49614916-G-A. GRCh37 (hg19) VCF-style: chr19-50118173-G-A.
Other names: short protein forms R1644H.
Identifiers: ClinVar variation 4840123 (VCV004840123.1).

ClinVar aggregate classification (germline): Uncertain significance (1 of 4 stars; one submission).

Conditions:
Inborn genetic diseases. Identifiers: MedGen C0950123, MeSH D030342.

gnomAD v4.1: 3 of 1,613,982 alleles (0.00019%); highest among the groups gnomAD compares: East Asian, 0.0022%; no homozygotes.

Submission:

Ambry Genetics
Classification: Uncertain significance for Inborn genetic diseases. Last evaluated: 2026-02-17. Review status: criteria provided, single submitter. Criteria: Ambry Variant Classification Scheme 2023. Collection method: clinical testing. Allele origin: germline.
Comment: The c.4931G>A (p.R1644H) alteration is located in exon 8 (coding exon 8) of the PRR12 gene. This alteration results from a G to A substitution at nucleotide position 4931, causing the arginine (R) at amino acid position 1644 to be replaced by a histidine (H). Based on data from gnomAD, the A allele has an overall frequency of <0.001% (1/249224) total alleles studied. The highest observed frequency was 0.006% (1/17974) of East Asian alleles. Based on insufficient or conflicting evidence, the clinical significance of this alteration remains unclear.